The following is an entry in ClinVar:

NM_005751.5(AKAP9):c.2810A>G (p.Asp937Gly)

Gene: AKAP9 (A-kinase anchoring protein 9; plus strand). Cytogenetic location: 7q21.2.
Variant type: single nucleotide variant.
Coding change: c.2810A>G on transcript NM_005751.5 (MANE Select); coding-DNA position 2810, A replaced by G.
Protein change: p.Asp937Gly; replaces aspartic acid 937 with glycine.
Molecular consequence: missense variant.
Genome position (GRCh38, 1-based): chr7:92,002,727, A>G. VCF-style: chr7-92002727-A-G. GRCh37 (hg19) VCF-style: chr7-91632041-A-G.
Other names: c.2810A>G, p.Asp937Gly (NM_147185.3); short protein forms D937G.
Identifiers: ClinVar variation 1796324 (VCV001796324.2), dbSNP rs2484695102, ClinGen allele CA368124981.

ClinVar aggregate classification (germline): Uncertain significance (1 of 4 stars; one submission).

Conditions:
Cardiovascular phenotype. Identifiers: MedGen CN230736.

Allele frequency attached by ClinVar (database versions not stated): gnomAD exomes below 0.00001.
gnomAD v4.1: 1 of 1,613,694 alleles (0.000062%); highest among the groups gnomAD compares: Non-Finnish European, 0.000085%; no homozygotes.

Submission:

Ambry Genetics
Classification: Uncertain significance for Cardiovascular phenotype. Last evaluated: 2022-07-10. Review status: criteria provided, single submitter. Criteria: Ambry Variant Classification Scheme 2023. Collection method: clinical testing. Allele origin: germline.
Comment: The p.D937G variant (also known as c.2810A>G), located in coding exon 8 of the AKAP9 gene, results from an A to G substitution at nucleotide position 2810. The aspartic acid at codon 937 is replaced by glycine, an amino acid with similar properties. This amino acid position is conserved. In addition, this alteration is predicted to be tolerated by in silico analysis. Since supporting evidence is limited at this time, the clinical significance of this alteration remains unclear.